The following is an entry in ClinVar:

NM_181486.4(TBX5):c.105del (p.Ser36fs)

Gene: TBX5 (T-box transcription factor 5; minus strand). Cytogenetic location: 12q24.21.
Variant type: Deletion.
Coding change: c.105del on transcript NM_181486.4 (MANE Select); coding-DNA position 105, one base deleted (C; older notation c.105delC).
Protein change: p.Ser36fs; shifts the reading frame from serine 36.
Molecular consequence: frameshift variant. On other transcripts: intron variant (1).
Genome position (GRCh38, 1-based): chr12:114,403,794, G deleted on the plus strand (C on the coding strand, the reverse complement: TBX5 is on the minus strand); the first of 5 consecutive G bases (chr12:114,403,794-114,403,798); deleting any one gives the same sequence. VCF-style (leftmost placement, unchanged base first): chr12-114403793-TG-T. GRCh37 (hg19) VCF-style: chr12-114841598-TG-T.
Other names: c.105delC (NM_000192.3); c.105del, p.Ser36fs (NM_000192.3); c.-3-1874del (NM_080717.4); short protein forms S36fs.
Identifiers: ClinVar variation 369677 (VCV000369677.6), dbSNP rs1057516042, ClinGen allele CA10654762.
Genomic context (GRCh38, chr12:114,403,793, plus strand): 5'-AAGCGCGAGGTCTCCTTACCTGCTGGGTGAAGGCGGCCTGCGGGGACGACGGGGACTTGC[TG>T]GGGGCCCCGAGCGCGCTCTCGGGTTTCGAATCGCAGGGCAGGTCTTTTGCGTCAGGCTCC-3'

ClinVar aggregate classification (germline): Pathogenic. Review status: criteria provided, multiple submitters, no conflicts (2 of 4 stars). 2 submissions from 2 submitters: Pathogenic (2). Last evaluated 2025-03-30.

Conditions:
Aortic valve disease 2 (AOVD2). Identifiers: MedGen C3542024, MONDO:0013902, OMIM 614823.
Holt-Oram syndrome (HOS). Also called: TBX5-Related Holt-Oram Syndrome; Ventriculo-radial syndrome; Cardiac-limb syndrome; Heart-hand syndrome, type 1. Identifiers: Orphanet 392, MedGen C0265264, MONDO:0007732, OMIM 142900.

Submissions (2):

Labcorp Genetics (formerly Invitae), Labcorp
Classification: Pathogenic for Aortic valve disease 2. Last evaluated: 2025-03-30. Review status: criteria provided, single submitter. Criteria: Invitae Variant Classification Sherloc (09022015). Collection method: clinical testing. Allele origin: germline.
Comment: This sequence change creates a premature translational stop signal (p.Ser36Alafs*30) in the TBX5 gene. It is expected to result in an absent or disrupted protein product. Loss-of-function variants in TBX5 are known to be pathogenic (PMID: 16183809, 16917909). This variant is not present in population databases (gnomAD no frequency). This premature translational stop signal has been observed in individual(s) with clinical features of Holt-Oram syndrome (PMID: 26938784, 29755943). ClinVar contains an entry for this variant (Variation ID: 369677). For these reasons, this variant has been classified as Pathogenic.

Victorian Clinical Genetics Services, Murdoch Childrens Research Institute
Classification: Pathogenic for Holt-Oram syndrome. Last evaluated: 2014-10-17. Review status: criteria provided, single submitter. Criteria: ACMG Guidelines, 2015. Collection method: clinical testing. Allele origin: paternal. Inheritance: Autosomal dominant inheritance. Affected: yes. Observed: 3 variant alleles. Clinical features observed: Aplasia/Hypoplasia of the thumb (HP:0009601).
Comment: This single nucleotide deletion is predicted to cause a frameshift resulting in a premature stop codon 30 amino acids downstream, and haploinsufficiency of TBX5. In-silico software (MutationTaster) predicts this variant to be disease-causing. This is a novel variant not present in population or disease databases.

Literature cited by the submitters: PubMed 16183809 (cited by Labcorp Genetics (formerly Invitae), Labcorp); PubMed 16917909 (cited by Labcorp Genetics (formerly Invitae), Labcorp); PubMed 26938784 (cited by Labcorp Genetics (formerly Invitae), Labcorp and Victorian Clinical Genetics Services, Murdoch Childrens Research Institute); PubMed 29755943 (cited by Labcorp Genetics (formerly Invitae), Labcorp).